The following is an entry in ClinVar:

ClinVar aggregate classification (germline): Uncertain significance (1 of 4 stars; one submission).

Conditions:
Capillary malformation-arteriovenous malformation 2 (CMAVM2). Identifiers: Orphanet 693912, MedGen C4748670, MONDO:0020785, OMIM 618196.

Submission:

SIB Swiss Institute of Bioinformatics
Classification: Uncertain significance for Capillary malformation-arteriovenous malformation 2. Last evaluated: 2019-03-29. Review status: criteria provided, single submitter. Criteria: ACMG Guidelines, 2015. Collection method: curation. Allele origin: unknown.
Comment: This variant is interpreted as Uncertain significance for Capillary malformation-arteriovenous malformation 2. The following ACMG Tag(s) were applied: PP3: Multiple lines of computational evidence support a deleterious effect on the gene or gene product. PM2: Absent from controls (or at extremely low frequency if recessive) in Exome Sequencing Project, 1000 Genomes Project, or Exome Aggregation Consortium. PM1: Located in a mutational hot spot and/or critical and well-established functional domain (e.g.,active site of an enzyme) without benign variation.

Literature cited by the submitters: PubMed 28687708.

NM_004444.5(EPHB4):c.2458C>A (p.Pro820Thr)

Genes: EPHB4 (EPH receptor B4; minus strand), LOC126860124 (CDK7 strongly-dependent group 2 enhancer GRCh37_chr7:100403701-100404900; plus strand). Cytogenetic location: 7q22.1.
Variant type: single nucleotide variant.
Coding change: c.2458C>A on transcript NM_004444.5 (MANE Select); coding-DNA position 2458, C replaced by A.
Protein change: p.Pro820Thr; replaces proline 820 with threonine.
Molecular consequence: missense variant.
Genome position (GRCh38, 1-based): chr7:100,806,446, G>T on the plus strand (C>A on the coding strand, the complement: EPHB4 is on the minus strand). VCF-style: chr7-100806446-G-T. GRCh37 (hg19) VCF-style: chr7-100404068-G-T.
Other names: short protein forms P820T.
Identifiers: ClinVar variation 691547 (VCV000691547.1), dbSNP rs1584653653, ClinGen allele CA368567468.